The following is an entry in ClinVar:

NM_052947.4(ALPK2):c.6394T>G (p.Ser2132Ala)

Gene: ALPK2 (alpha kinase 2; minus strand). Cytogenetic location: 18q21.31.
Variant type: single nucleotide variant.
Coding change: c.6394T>G on transcript NM_052947.4 (MANE Select); coding-DNA position 6394, T replaced by G.
Protein change: p.Ser2132Ala; replaces serine 2132 with alanine.
Molecular consequence: missense variant.
Genome position (GRCh38, 1-based): chr18:58,481,942, A>C on the plus strand (T>G on the coding strand, the complement: ALPK2 is on the minus strand). VCF-style: chr18-58481942-A-C. GRCh37 (hg19) VCF-style: chr18-56149174-A-C.
Other names: short protein forms S2132A.
Identifiers: ClinVar variation 3290699 (VCV003290699.1).

ClinVar aggregate classification (germline): Uncertain significance (1 of 4 stars; one submission).

Submission:

Ambry Genetics
Classification: Uncertain significance. Last evaluated: 2024-06-09. Review status: criteria provided, single submitter. Criteria: Ambry Variant Classification Scheme 2023. Collection method: clinical testing. Allele origin: germline.
Comment: The p.S2132A variant (also known as c.6394T>G), located in coding exon 12 of the ALPK2 gene, results from a T to G substitution at nucleotide position 6394. The serine at codon 2132 is replaced by alanine, an amino acid with similar properties. This amino acid position is conserved. In addition, this alteration is predicted to be tolerated by in silico analysis. Based on the available evidence, the clinical significance of this variant remains unclear.